The following is an entry in ClinVar:

NM_024666.5(AAGAB):c.505_506dup (p.Asn169fs)

Gene: AAGAB (alpha and gamma adaptin binding protein; minus strand). Cytogenetic location: 15q23.
Variant type: Duplication.
Coding change: c.505_506dup on transcript NM_024666.5 (MANE Select); coding-DNA positions 505 to 506, 2 bases duplicated (AA; older notation c.505_506dupAA).
Protein change: p.Asn169fs; shifts the reading frame from asparagine 169.
Molecular consequence: frameshift variant.
Genome position (GRCh38, 1-based): chr15:67,231,843-67,231,844, TT duplicated on the plus strand (AA on the coding strand, the reverse complement: AAGAB is on the minus strand). VCF-style (leftmost placement, unchanged base first): chr15-67231842-A-ATT. GRCh37 (hg19) VCF-style: chr15-67524180-A-ATT.
Other names: c.178_179dup, p.Asn60fs (NM_001271885.2, NM_001271886.2); short protein forms N169fs, N60fs.
Identifiers: ClinVar variation 1069032 (VCV001069032.10), dbSNP rs2140373111, ClinGen allele CA2499223057.

ClinVar aggregate classification (germline): Pathogenic (1 of 4 stars; one submission).

Allele frequency attached by ClinVar (database versions not stated): gnomAD exomes 0.00001.

Submission:

Labcorp Genetics (formerly Invitae), Labcorp
Classification: Pathogenic. Last evaluated: 2017-11-11. Review status: criteria provided, single submitter. Criteria: Invitae Variant Classification Sherloc (09022015). Collection method: clinical testing. Allele origin: germline.
Comment: For these reasons, this variant has been classified as Pathogenic. Loss-of-function variants in AAGAB are known to be pathogenic (PMID: 24390136, 23064416, 23000146, 23633024, 23563198). This variant has been reported in an individual affected with palmoplantar keratorderma (PMID: 26608363). This variant is not present in population databases (ExAC no frequency). This sequence change creates a premature translational stop signal (p.Asn169Lysfs*7) in the AAGAB gene. It is expected to result in an absent or disrupted protein product.

Literature cited by the submitters: PubMed 24390136; PubMed 23064416; PubMed 23000146; PubMed 23633024; PubMed 23563198; PubMed 26608363.